The following is an entry in ClinVar:

ClinVar aggregate classification (germline): Uncertain significance. Review status: criteria provided, multiple submitters, no conflicts (2 of 4 stars). 2 submissions from 2 submitters: Uncertain significance (2). Last evaluated 2025-10-11.

Conditions:
Cardiovascular phenotype. Identifiers: MedGen CN230736.
Dilated cardiomyopathy 1W (CMD1W). Identifiers: Orphanet 154, MedGen C1969639, MONDO:0012667, OMIM 611407.

Allele frequency attached by ClinVar (database versions not stated): TOPMed 0.00002.
gnomAD v4.1: 5 of 1,613,892 alleles (0.00031%); highest among the groups gnomAD compares: African/African-American, 0.0053%; no homozygotes.

Submissions (2):

Labcorp Genetics (formerly Invitae), Labcorp
Classification: Uncertain significance for Dilated cardiomyopathy 1W. Last evaluated: 2025-10-11. Review status: criteria provided, single submitter. Criteria: Invitae Variant Classification Sherloc (09022015). Collection method: clinical testing. Allele origin: germline.
Comment: This sequence change replaces asparagine, which is neutral and polar, with aspartic acid, which is acidic and polar, at codon 399 of the VCL protein (p.Asn399Asp). This variant is present in population databases (rs377228795, gnomAD 0.007%). This variant has not been reported in the literature in individuals affected with VCL-related conditions. ClinVar contains an entry for this variant (Variation ID: 845353). An algorithm developed to predict the effect of missense changes on protein structure and function (PolyPhen-2) suggests that this variant is likely to be tolerated. In summary, the available evidence is currently insufficient to determine the role of this variant in disease. Therefore, it has been classified as a Variant of Uncertain Significance.

Ambry Genetics
Classification: Uncertain significance for Cardiovascular phenotype. Last evaluated: 2023-10-26. Review status: criteria provided, single submitter. Criteria: Ambry Variant Classification Scheme 2023. Collection method: clinical testing. Allele origin: germline.
Comment: The p.N399D variant (also known as c.1195A>G), located in coding exon 10 of the VCL gene, results from an A to G substitution at nucleotide position 1195. The asparagine at codon 399 is replaced by aspartic acid, an amino acid with highly similar properties. This amino acid position is conserved. In addition, this alteration is predicted to be tolerated by in silico analysis. Since supporting evidence is limited at this time, the clinical significance of this alteration remains unclear.

NM_014000.3(VCL):c.1195A>G (p.Asn399Asp)

Gene: VCL (vinculin; plus strand). Cytogenetic location: 10q22.2.
Variant type: single nucleotide variant.
Coding change: c.1195A>G on transcript NM_014000.3 (MANE Select); coding-DNA position 1195, A replaced by G.
Protein change: p.Asn399Asp; replaces asparagine 399 with aspartic acid.
Molecular consequence: missense variant.
Genome position (GRCh38, 1-based): chr10:74,090,041, A>G. VCF-style: chr10-74090041-A-G. GRCh37 (hg19) VCF-style: chr10-75849799-A-G.
Other names: c.1195A>G, p.Asn399Asp (NM_003373.4); short protein forms N399D.
Identifiers: ClinVar variation 845353 (VCV000845353.11), dbSNP rs377228795, ClinGen allele CA5562951.